The following is an entry in ClinVar:

ClinVar aggregate classification (germline): Uncertain significance (1 of 4 stars; one submission).

Conditions:
POLD1-related polyposis and colorectal cancer syndrome (CRCS10). Also called: Colorectal cancer, susceptibility to, 10; Colorectal cancer 10; COLORECTAL CANCER, SUSCEPTIBILITY TO, ON CHROMOSOME 19q. Identifiers: Orphanet 220460, MedGen C2675481, MONDO:0012953, OMIM 612591.

Submission:

Labcorp Genetics (formerly Invitae), Labcorp
Classification: Uncertain significance for POLD1-related polyposis and colorectal cancer syndrome. Last evaluated: 2021-10-21. Review status: criteria provided, single submitter. Criteria: Invitae Variant Classification Sherloc (09022015). Collection method: clinical testing. Allele origin: germline.
Comment: In summary, the available evidence is currently insufficient to determine the role of this variant in disease. Therefore, it has been classified as a Variant of Uncertain Significance. Algorithms developed to predict the effect of missense changes on protein structure and function (SIFT, PolyPhen-2, Align-GVGD) all suggest that this variant is likely to be disruptive. This variant has not been reported in the literature in individuals affected with POLD1-related conditions. This variant is not present in population databases (ExAC no frequency). This sequence change replaces glycine with glutamic acid at codon 654 of the POLD1 protein (p.Gly654Glu). The glycine residue is highly conserved and there is a moderate physicochemical difference between glycine and glutamic acid.

NM_002691.4(POLD1):c.1961G>A (p.Gly654Glu)

Gene: POLD1 (DNA polymerase delta 1, catalytic subunit; plus strand). Cytogenetic location: 19q13.33.
Variant type: single nucleotide variant.
Coding change: c.1961G>A on transcript NM_002691.4 (MANE Select); coding-DNA position 1961, G replaced by A.
Protein change: p.Gly654Glu; replaces glycine 654 with glutamic acid.
Molecular consequence: missense variant. On other transcripts: non-coding transcript variant (1).
Genome position (GRCh38, 1-based): chr19:50,409,190, G>A. VCF-style: chr19-50409190-G-A. GRCh37 (hg19) VCF-style: chr19-50912447-G-A.
Other names: c.1961G>A, p.Gly654Glu (NM_001256849.1); c.2039G>A, p.Gly680Glu (NM_001308632.1); short protein forms G680E, G654E.
Identifiers: ClinVar variation 1362676 (VCV001362676.6), dbSNP rs2039006469, ClinGen allele CA406982327.